The following is an entry in ClinVar:

NM_020312.4(COQ9):c.522-2A>G

Gene: COQ9 (coenzyme Q9; plus strand). Cytogenetic location: 16q21.
Variant type: single nucleotide variant.
Coding change: c.522-2A>G on transcript NM_020312.4 (MANE Select); the canonical splice acceptor site of the intron before coding-DNA position 522, A replaced by G.
Molecular consequence: splice acceptor variant.
Genome position (GRCh38, 1-based): chr16:57,456,929, A>G. VCF-style: chr16-57456929-A-G. GRCh37 (hg19) VCF-style: chr16-57490841-A-G.
Other names: NC_000016.9:g.57490841A>G.
Identifiers: ClinVar variation 4413300 (VCV004413300.2).

ClinVar aggregate classification (germline): Likely pathogenic (1 of 4 stars; one submission).

Submissions (2):

Labcorp Genetics (formerly Invitae), Labcorp
Classification: Likely pathogenic. Last evaluated: 2025-09-26. Review status: criteria provided, single submitter. Criteria: Invitae Variant Classification Sherloc (09022015). Collection method: clinical testing. Allele origin: germline.
Comment: This sequence change affects an acceptor splice site in intron 4 of the COQ9 gene. It is expected to disrupt RNA splicing. Variants that disrupt the donor or acceptor splice site typically lead to a loss of protein function (PMID: 16199547), and loss-of-function variants in COQ9 are known to be pathogenic (PMID: 19375058, 26081641). This variant is not present in population databases (gnomAD no frequency). This variant has not been reported in the literature in individuals affected with COQ9-related conditions. Algorithms developed to predict the effect of sequence changes on RNA splicing suggest that this variant may disrupt the consensus splice site. In summary, the currently available evidence indicates that the variant is pathogenic, but additional data are needed to prove that conclusively. Therefore, this variant has been classified as Likely Pathogenic.

Dr. Peter K. Rogan Lab, Western University
No classification provided (evidence only). Condition: Melanoma. Review status: no classification provided. Collection method: in vitro. Allele origin: not applicable. Functional consequence: skipped exon, retained intron. Not counted in ClinVar's aggregate classification.

Literature cited by the submitters: PubMed 16199547 (cited by Labcorp Genetics (formerly Invitae), Labcorp); PubMed 19375058 (cited by Labcorp Genetics (formerly Invitae), Labcorp); PubMed 26081641 (cited by Labcorp Genetics (formerly Invitae), Labcorp).